The following is an entry in ClinVar:

NM_000051.4(ATM):c.5750G>A (p.Arg1917Lys)

Gene: ATM (ATM serine/threonine kinase; plus strand). Cytogenetic location: 11q22.3.
Variant type: single nucleotide variant.
Coding change: c.5750G>A on transcript NM_000051.4 (MANE Select); coding-DNA position 5750, G replaced by A.
Protein change: p.Arg1917Lys; replaces arginine 1917 with lysine.
Molecular consequence: missense variant.
Genome position (GRCh38, 1-based): chr11:108,307,972, G>A. VCF-style: chr11-108307972-G-A. GRCh37 (hg19) VCF-style: chr11-108178699-G-A.
Other names: c.5750G>A, p.Arg1917Lys (NM_001351834.2); short protein forms R1917K.
Identifiers: ClinVar variation 489563 (VCV000489563.15), dbSNP rs377289524, ClinGen allele CA382547999.
Genomic context (GRCh38, chr11:108,307,972, plus strand): 5'-TCCGATGCTGTTTGGATAAAAAATCACAAAGAACAATGCTTGCTGTTGTGGACTACATGA[G>A]AAGACAAAAGAGGTAATGTAATGAGTGTTGCTTCTTACGTTTAGGATCTAGAGTGTAACT-3'
Protein context (NP_000042.3, residues 1907-1927): RTMLAVVDYM[Arg1917Lys]RQKRPSSGTI

ClinVar aggregate classification (germline): Uncertain significance. Review status: criteria provided, multiple submitters, no conflicts (2 of 4 stars). 3 submissions from 3 submitters: Uncertain significance (3). Last evaluated 2025-07-31.

Conditions:
Hereditary cancer-predisposing syndrome. Also called: Tumor predisposition; Neoplastic Syndromes, Hereditary; Hereditary Cancer Syndrome; Hereditary neoplastic syndrome. Identifiers: Orphanet 140162, MedGen C0027672, MeSH D009386, MONDO:0015356.
Ataxia-telangiectasia syndrome (AT). Also called: Ataxia-telangiectasia; Ataxia-telangiectasia, complementation group D; AT, COMPLEMENTATION GROUP C; LOUIS-BAR SYNDROME; Cerebello-oculocutaneous telangiectasia; Immunodeficiency with ataxia telangiectasia. Identifiers: Orphanet 100, MedGen C0004135, MONDO:0008840, OMIM 208900.

Submissions (3):

Ambry Genetics
Classification: Uncertain significance for Hereditary cancer-predisposing syndrome. Last evaluated: 2025-07-31. Review status: criteria provided, single submitter. Criteria: Ambry Variant Classification Scheme 2023. Collection method: clinical testing. Allele origin: germline.
Comment: The p.R1917K variant (also known as c.5750G>A), located in coding exon 37 of the ATM gene, results from a G to A substitution at nucleotide position 5750. The arginine at codon 1917 is replaced by lysine, an amino acid with highly similar properties. This variant was identified in 1 of 5589 German BRCA1/2-negative probands with breast cancer and 1 of 701 Brazilian individuals with features consistent with a hereditary breast and/or ovarian cancer syndrome (Hauke J et al. Cancer Med, 2018 Apr;7:1349-1358; Faria JP et al. Breast Cancer Res Treat, 2024 Oct;207:615-624 ). This amino acid position is highly conserved in available vertebrate species. In addition, this alteration is predicted to be deleterious by in silico analysis. Based on the available evidence, the clinical significance of this variant remains unclear.

Labcorp Genetics (formerly Invitae), Labcorp
Classification: Uncertain significance for Ataxia-telangiectasia syndrome. Last evaluated: 2024-12-04. Review status: criteria provided, single submitter. Criteria: Invitae Variant Classification Sherloc (09022015). Collection method: clinical testing. Allele origin: germline.
Comment: This sequence change replaces arginine, which is basic and polar, with lysine, which is basic and polar, at codon 1917 of the ATM protein (p.Arg1917Lys). This variant is not present in population databases (gnomAD no frequency). This missense change has been observed in individual(s) with prostate cancer (PMID: 29659569, 33436325, 37436117). ClinVar contains an entry for this variant (Variation ID: 489563). Invitae Evidence Modeling of protein sequence and biophysical properties (such as structural, functional, and spatial information, amino acid conservation, physicochemical variation, residue mobility, and thermodynamic stability) has been performed for this missense variant. However, the output from this modeling did not meet the statistical confidence thresholds required to predict the impact of this variant on ATM protein function. In summary, the available evidence is currently insufficient to determine the role of this variant in disease. Therefore, it has been classified as a Variant of Uncertain Significance.

Color Diagnostics, LLC DBA Color Health
Classification: Uncertain significance for Hereditary cancer-predisposing syndrome. Last evaluated: 2019-06-07. Review status: criteria provided, single submitter. Criteria: ACMG Guidelines, 2015. Collection method: clinical testing. Allele origin: germline.

Literature cited by the submitters: PubMed 29522266 (cited by Ambry Genetics); PubMed 38874686 (cited by Ambry Genetics); PubMed 29659569 (cited by Labcorp Genetics (formerly Invitae), Labcorp); PubMed 33436325 (cited by Labcorp Genetics (formerly Invitae), Labcorp); PubMed 37436117 (cited by Labcorp Genetics (formerly Invitae), Labcorp).